The following is an entry in ClinVar:

ClinVar aggregate classification (germline): Likely benign. Review status: criteria provided, multiple submitters, no conflicts (2 of 4 stars). 2 submissions from 2 submitters: Likely benign (2). Last evaluated 2024-07-01.

Conditions:
Oligodontia-cancer predisposition syndrome. Also called: TOOTH AGENESIS-COLORECTAL CANCER SYNDROME. Identifiers: Orphanet 300576, MedGen C1837750, MONDO:0012075, OMIM 608615. Disease mechanism: loss of function.

gnomAD v4.1: 3 of 1,614,100 alleles (0.00019%); highest among the groups gnomAD compares: South Asian, 0.0033%; no homozygotes.

Submissions (2):

Myriad Genetics, Inc.
Classification: Likely benign for Oligodontia-cancer predisposition syndrome. Last evaluated: 2024-07-01. Review status: criteria provided, single submitter. Criteria: Myriad Autosomal Dominant, Autosomal Recessive and X-Linked Classification Criteria (2023). Collection method: clinical testing. Allele origin: unknown.
Comment: This variant is considered likely benign. This variant is intronic and is not expected to impact mRNA splicing.

Labcorp Genetics (formerly Invitae), Labcorp
Classification: Likely benign for Oligodontia-cancer predisposition syndrome. Last evaluated: 2024-05-06. Review status: criteria provided, single submitter. Criteria: Invitae Variant Classification Sherloc (09022015). Collection method: clinical testing. Allele origin: germline.

NM_004655.4(AXIN2):c.1060-7C>T

Gene: AXIN2 (axin 2; minus strand). Cytogenetic location: 17q24.1.
Variant type: single nucleotide variant.
Coding change: c.1060-7C>T on transcript NM_004655.4 (MANE Select); 7 bases into the intron before coding-DNA position 1060, C replaced by T.
Molecular consequence: intron variant.
Genome position (GRCh38, 1-based): chr17:65,538,350, G>A on the plus strand (C>T on the coding strand, the complement: AXIN2 is on the minus strand). VCF-style: chr17-65538350-G-A. GRCh37 (hg19) VCF-style: chr17-63534468-G-A.
Other names: c.1060-7C>T (NM_001363813.1).
Identifiers: ClinVar variation 3379026 (VCV003379026.3).
Genomic context (GRCh38, chr17:65,538,350, plus strand): 5'-TGCAAAGGTGGCGGGTTCCACGGGGGTCATCTCCTTGGGCAGGCGGTGGGTTCTCTACAG[G>A]ACGTGGAAAGGAAAGGGAGGAGGCACGTTCAGCAGGCTAGGTGGGCGGTGGCTTGGCCGG-3'